The following is an entry in ClinVar:

ClinVar aggregate classification (germline): Uncertain significance (1 of 4 stars; one submission).

Conditions:
Phosphoenolpyruvate carboxykinase deficiency, mitochondrial. Also called: PCK2 DEFICIENCY; PEPCK2 DEFICIENCY. Identifiers: Orphanet 2880, MedGen C1849821, MONDO:0009864, OMIM 261650.

Submission:

Mendelics
Classification: Uncertain significance for Phosphoenolpyruvate carboxykinase deficiency, mitochondrial. Last evaluated: 2024-09-14. Review status: criteria provided, single submitter. Criteria: Mendelics Assertion Criteria 2019. Collection method: clinical testing. Allele origin: germline.
Comment: GnomAD frequent variant.

NM_004563.4(PCK2):c.460_461insCTGTGGATGAGAG (p.Gly154fs)

Genes: PCK2 (phosphoenolpyruvate carboxykinase 2, mitochondrial; plus strand), NRL (neural retina leucine zipper; minus strand). Cytogenetic location: 14q11.2.
Variant type: Insertion.
Coding change: c.460_461insCTGTGGATGAGAG on transcript NM_004563.4 (MANE Select); coding-DNA positions 460 to 461, CTGTGGATGAGAG inserted.
Protein change: p.Gly154fs; shifts the reading frame from glycine 154.
Molecular consequence: frameshift variant. On other transcripts: intron variant (3).
Genome position: GRCh38 VCF-style: chr14-24098386-G-GGCTGTGGATGAGA. GRCh37 (hg19) VCF-style: chr14-24567595-G-GGCTGTGGATGAGA.
Other names: c.460_461insCTGTGGATGAGAG, p.Gly154fs (NM_001018073.3); c.58_59insCTGTGGATGAGAG, p.Gly20fs (NM_001291556.2, NM_001308054.2); c.-27-15512_-27-15511insCTCTCATCCACAG (NM_001354768.3, NM_001354770.2); c.-253-13642_-253-13641insCTCTCATCCACAG (NM_006177.5); short protein forms G154fs, G20fs.
Identifiers: ClinVar variation 1686014 (VCV001686014.2), dbSNP rs771187723, ClinGen allele CA7123129.
Genomic context (GRCh38, chr14:24,098,386, plus strand): 5'-CTGGATGTCCCCAGCTGATTTCCAGCGAGCTGTGGATGAGAGGTTTCCAGGCTGCATGCA[G>GGCTGTGGATGAGA]GGTAACCAGGGCAGGGGCACAGTGGCAAGGGCACGGAAGATGTGAACAGGTTTGGAACCC-3'